The following is an entry in ClinVar:

NM_001447.3(FAT2):c.436C>T (p.Pro146Ser)

Gene: FAT2 (FAT atypical cadherin 2; minus strand). Cytogenetic location: 5q33.1.
Variant type: single nucleotide variant.
Coding change: c.436C>T on transcript NM_001447.3 (MANE Select); coding-DNA position 436, C replaced by T.
Protein change: p.Pro146Ser; replaces proline 146 with serine.
Molecular consequence: missense variant.
Genome position (GRCh38, 1-based): chr5:151,568,496, G>A on the plus strand (C>T on the coding strand, the complement: FAT2 is on the minus strand). VCF-style: chr5-151568496-G-A. GRCh37 (hg19) VCF-style: chr5-150948057-G-A.
Other names: short protein forms P146S.
Identifiers: ClinVar variation 3254986 (VCV003254986.3), dbSNP rs774592284.

ClinVar aggregate classification (germline): Uncertain significance. Review status: criteria provided, multiple submitters, no conflicts (2 of 4 stars). 2 submissions from 2 submitters: Uncertain significance (2). Last evaluated 2024-09-20.

Conditions:
Spinocerebellar ataxia 45. Identifiers: Orphanet 589527, MedGen C4540400, MONDO:0033480, OMIM 617769.

Allele frequency attached by ClinVar (database versions not stated): ExAC 0.00001; gnomAD 0.00001; TOPMed 0.00001; gnomAD exomes 0.00002.
gnomAD v4.1: 36 of 1,614,008 alleles (0.0022%); highest among the groups gnomAD compares: Non-Finnish European, 0.003%; no homozygotes.

Submissions (2):

Victorian Clinical Genetics Services, Murdoch Childrens Research Institute
Classification: Uncertain significance for Spinocerebellar ataxia 45. Last evaluated: 2024-09-20. Review status: criteria provided, single submitter. Criteria: ACMG Guidelines, 2015. Collection method: clinical testing. Allele origin: germline. Inheritance: Autosomal dominant inheritance. Affected: yes.
Comment: Based on the classification scheme VCGS_Germline_v1.3.4, this variant is classified as VUS-3C. Following criteria are met: 0105 - The mechanism of disease for this gene is not clearly established. (I) 0107 - This gene is associated with autosomal dominant disease. (I) 0200 - Variant is predicted to result in a missense amino acid change from proline to serine. (I) 0251 - This variant is heterozygous. (I) 0302 - Variant is present in gnomAD (v2 and v3) <0.001 for a dominant condition (4 heterozygotes, 0 homozygotes). (SP) 0309 - An alternative amino acid change at the same position has been observed in gnomAD (v2) (1 heterozygote, 0 homozygotes). (I) 0501 - Missense variant consistently predicted to be damaging by multiple in silico tools or highly conserved with a major amino acid change. (SP) 0604 - Variant is not located in an established domain, motif, hotspot or informative constraint region. (I) 0705 - No comparable missense variants have previous evidence for pathogenicity. (I) 0807 - This variant has no previous evidence of pathogenicity. (I) 0905 - No published segregation evidence has been identified for this variant. (I) 1007 - No published functional evidence has been identified for this variant. (I) 1208 - Inheritance information for this variant is not currently available in this individual. (I) Legend: (SP) - Supporting pathogenic, (I) - Information, (SB) - Supporting benign

Ambry Genetics
Classification: Uncertain significance. Last evaluated: 2024-07-10. Review status: criteria provided, single submitter. Criteria: Ambry Variant Classification Scheme 2023. Collection method: clinical testing. Allele origin: germline.